The following is an entry in ClinVar:

NM_000155.4(GALT):c.507+62G>A

Gene: GALT (galactose-1-phosphate uridylyltransferase; plus strand). Cytogenetic location: 9p13.3.
Variant type: single nucleotide variant.
Coding change: c.507+62G>A on transcript NM_000155.4 (MANE Select); 62 bases into the intron after coding-DNA position 507, G replaced by A.
Molecular consequence: intron variant.
Genome position (GRCh38, 1-based): chr9:34,648,023, G>A. VCF-style: chr9-34648023-G-A. GRCh37 (hg19) VCF-style: chr9-34648020-G-A.
Other names: IVS5-62G>A; c.180+62G>A (NM_001258332.2).
Identifiers: ClinVar variation 25192 (VCV000025192.19), dbSNP rs2277202, ClinGen allele CA342593.

ClinVar aggregate classification (germline): Benign. Review status: criteria provided, multiple submitters, no conflicts (2 of 4 stars). 8 submissions from 8 submitters: Benign (5). 3 of the submissions do not count toward it. Last evaluated 2026-01-26.

Conditions:
Galactosemia. Also called: Galactose intolerance. Identifiers: Orphanet 352, MedGen C0016952, MONDO:0018116, HP:0004919. Disease mechanism: loss of function.
Deficiency of UDPglucose-hexose-1-phosphate uridylyltransferase. Also called: GALACTOSE-1-PHOSPHATE URIDYLYLTRANSFERASE DEFICIENCY; GALT deficiency; Galactosemia, classic; Transferase Deficiency Galactosemia; GALACTOSEMIA I. Identifiers: Orphanet 352, Orphanet 79239, MedGen C0268151, MONDO:0009258, OMIM 230400.

Allele frequency attached by ClinVar (database versions not stated): TOPMed 0.04208; 1000 Genomes Project 0.04153; gnomAD 0.04610 and 0.04619; 1000 Genomes Project 30x 0.04107; gnomAD exomes 0.06142.
gnomAD v4.1: 96,731 of 1,614,130 alleles (6%); highest among the groups gnomAD compares: South Asian, 7.5%; 3,191 homozygotes.

Submissions (8):

3billion
Classification: Benign for Deficiency of UDPglucose-hexose-1-phosphate uridylyltransferase. Last evaluated: 2026-01-26. Review status: criteria provided, single submitter. Criteria: ACMG Guidelines, 2015. Collection method: clinical testing. Allele origin: germline. Affected: yes.
Comment: The variant is observed at an allele frequency greater than expected for the associated disorder in the gnomAD v4.1.0 dataset. The variant is observed as homozygous in at least two unrelated individuals/adults in the gnomAD v4.1.0 dataset. Predicted Consequence/Location: Non coding variant The variant has been reported at least twice as pathogenic with clinical assertions and evidence for the classification (ClinVar ID: VCV000025111 /PMID: 25473725). Therefore, this variant is classified as Risk Allele according to the recommendation of ACMG/AMP guideline.

Genome-Nilou Lab
Classification: Benign for Deficiency of UDPglucose-hexose-1-phosphate uridylyltransferase. Last evaluated: 2021-07-01. Review status: criteria provided, single submitter. Criteria: ACMG Guidelines, 2015. Collection method: clinical testing. Allele origin: germline. Affected: no.

ARUP Laboratories, Molecular Genetics and Genomics, ARUP Laboratories
Classification: Benign for Deficiency of UDPglucose-hexose-1-phosphate uridylyltransferase. Last evaluated: 2018-07-06. Review status: criteria provided, single submitter. Criteria: ARUP Molecular Germline Variant Investigation Process. Collection method: clinical testing. Allele origin: germline.

GeneDx
Classification: Benign. Last evaluated: 2015-03-03. Review status: criteria provided, single submitter. Criteria: GeneDx Variant Classification Process June 2021. Collection method: clinical testing. Allele origin: germline. Affected: yes.

Breakthrough Genomics
Classification: Benign. Review status: criteria provided, single submitter. Criteria: ACMG Guidelines, 2015. Collection method: not provided. Allele origin: germline. Inheritance: Autosomal recessive inheritance. Affected: yes.

Natera, Inc.
Classification: Benign for Galactosemia. Last evaluated: 2020-09-16. Review status: no assertion criteria provided. Collection method: clinical testing. Allele origin: germline. Not counted in ClinVar's aggregate classification.

GeneReviews
No classification provided. Condition: Deficiency of UDPglucose-hexose-1-phosphate uridylyltransferase. Review status: no classification provided. Collection method: literature only. Allele origin: germline. Affected: yes. Not counted in ClinVar's aggregate classification.

Genomic Medicine Center of Excellence, King Faisal Specialist Hospital and Research Centre
Classification: Likely pathogenic for Deficiency of UDPglucose-hexose-1-phosphate uridylyltransferase. Last evaluated: 2025-09-10. Review status: flagged submission. Criteria: ACMG Guidelines, 2015. Collection method: clinical testing. Allele origin: germline. Not counted in ClinVar's aggregate classification.
ClinVar note: Reason: Outlier claim with insufficient supporting evidence

Literature cited by the submitters: NCBI Bookshelf NBK258640 (cited by GeneReviews).